The following is an entry in ClinVar:

NM_001829.4(CLCN3):c.1555G>A (p.Gly519Ser)

Gene: CLCN3 (Cl-/H+ antiporter 3; plus strand). Cytogenetic location: 4q33.
Variant type: single nucleotide variant.
Coding change: c.1555G>A on transcript NM_001829.4 (MANE Select); coding-DNA position 1555, G replaced by A.
Protein change: p.Gly519Ser; replaces glycine 519 with serine.
Molecular consequence: missense variant.
Genome position (GRCh38, 1-based): chr4:169,697,726, G>A. VCF-style: chr4-169697726-G-A. GRCh37 (hg19) VCF-style: chr4-170618877-G-A.
Other names: c.1474G>A, p.Gly492Ser (NM_001243372.2, NM_001243374.2); c.1555G>A, p.Gly519Ser (NM_173872.4); short protein forms G492S, G519S.
Identifiers: ClinVar variation 4975548 (VCV004975548.1).
Genomic context (GRCh38, chr4:169,697,726, plus strand): 5'-GCTATATGGCAGTTATGCCTGGCACTCATATTTAAAATCATAATGACAGTATTCACTTTT[G>A]GCATCAAGGTAAGTGCTAATGTGAGGTGATATTTGGGTAATTTTGGCATGTTCAAAACTT-3'
Protein context (NP_001820.2, residues 509-529): FKIIMTVFTF[Gly519Ser]IKVPSGLFIP

ClinVar aggregate classification (germline): Uncertain significance (1 of 4 stars; one submission).

gnomAD v4.1: 1 of 1,603,814 alleles (0.000062%); highest among the groups gnomAD compares: Non-Finnish European, 0.000085%; no homozygotes.

Submission:

GeneDx
Classification: Uncertain significance. Last evaluated: 2026-01-29. Review status: criteria provided, single submitter. Criteria: GeneDx Variant Classification Process June 2021. Collection method: clinical testing. Allele origin: germline.
Comment: Not observed at significant frequency in large population cohorts (gnomAD); In silico analysis supports that this missense variant has a deleterious effect on protein structure/function; Has not been previously published as pathogenic or benign to our knowledge